The following is an entry in ClinVar:

NM_001298.3(CNGA3):c.1039C>T (p.Arg347Cys)

Gene: CNGA3 (cyclic nucleotide gated channel subunit alpha 3; plus strand). Cytogenetic location: 2q11.2.
Variant type: single nucleotide variant.
Coding change: c.1039C>T on transcript NM_001298.3 (MANE Select); coding-DNA position 1039, C replaced by T.
Protein change: p.Arg347Cys; replaces arginine 347 with cysteine.
Molecular consequence: missense variant.
Genome position (GRCh38, 1-based): chr2:98,396,209, C>T. VCF-style: chr2-98396209-C-T. GRCh37 (hg19) VCF-style: chr2-99012672-C-T.
Other names: c.985C>T, p.Arg329Cys (NM_001079878.2); short protein forms R329C, R347C.
Identifiers: ClinVar variation 2159683 (VCV002159683.12), dbSNP rs1211845337, ClinGen allele CA347832698.

ClinVar aggregate classification (germline): Pathogenic/Likely pathogenic. Review status: criteria provided, multiple submitters, no conflicts (2 of 4 stars). 2 submissions from 2 submitters: Pathogenic (1); Likely pathogenic (1). Last evaluated 2025-11-01.

Allele frequency attached by ClinVar (database versions not stated): TOPMed 0.00001; gnomAD 0.00002.
gnomAD v4.1: 25 of 1,614,074 alleles (0.0015%); highest among the groups gnomAD compares: East Asian, 0.031%; no homozygotes.

Submissions (2):

CeGaT Center for Human Genetics Tuebingen
Classification: Likely pathogenic. Last evaluated: 2025-11-01. Review status: criteria provided, single submitter. Criteria: CeGaT Center For Human Genetics Tuebingen Variant Classification Criteria Version 2. Collection method: clinical testing. Allele origin: germline. Affected: yes. Observed: 2 variant alleles.
Comment: CNGA3: PM3:Strong, PM1, PM2, PS3:Supporting

Labcorp Genetics (formerly Invitae), Labcorp
Classification: Pathogenic. Last evaluated: 2024-01-22. Review status: criteria provided, single submitter. Criteria: Invitae Variant Classification Sherloc (09022015). Collection method: clinical testing. Allele origin: germline.
Comment: This sequence change replaces arginine, which is basic and polar, with cysteine, which is neutral and slightly polar, at codon 347 of the CNGA3 protein (p.Arg347Cys). This variant is present in population databases (no rsID available, gnomAD 0.01%). This missense change has been observed in individual(s) with inherited retinal dystrophy (PMID: 32913385). In at least one individual the data is consistent with being in trans (on the opposite chromosome) from a pathogenic variant. ClinVar contains an entry for this variant (Variation ID: 2159683). Advanced modeling of protein sequence and biophysical properties (such as structural, functional, and spatial information, amino acid conservation, physicochemical variation, residue mobility, and thermodynamic stability) performed at Invitae indicates that this missense variant is expected to disrupt CNGA3 protein function with a positive predictive value of 95%. For these reasons, this variant has been classified as Pathogenic.

Literature cited by the submitters: PubMed 32913385 (cited by Labcorp Genetics (formerly Invitae), Labcorp).